The following is an entry in ClinVar:

NM_000890.5(KCNJ5):c.723C>A (p.Ser241=)

Gene: KCNJ5 (potassium inwardly rectifying channel subfamily J member 5; plus strand). Cytogenetic location: 11q24.3.
Variant type: single nucleotide variant.
Coding change: c.723C>A on transcript NM_000890.5 (MANE Select); coding-DNA position 723, C replaced by A.
Protein change: p.Ser241=; no amino-acid change (serine 241 retained).
Molecular consequence: synonymous variant.
Genome position (GRCh38, 1-based): chr11:128,911,996, C>A. VCF-style: chr11-128911996-C-A. GRCh37 (hg19) VCF-style: chr11-128781891-C-A.
Other names: c.723C>A, p.Ser241= (NM_001354169.2).
Identifiers: ClinVar variation 671630 (VCV000671630.1), dbSNP rs757420915, ClinGen allele CA6357923.
Genomic context (GRCh38, chr11:128,911,996, plus strand): 5'-GGGCGACCTCCGCAACTCCCACATCGTGGAGGCCTCCATCCGGGCCAAGCTCATCAAGTC[C>A]CGGCAGACCAAAGAGGGGGAGTTCATCCCCCTGAACCAGACAGACATCAACGTGGGCTTT-3'
Protein context (NP_000881.3, residues 231-251): EASIRAKLIK[Ser241=]RQTKEGEFIP

ClinVar aggregate classification (germline): Likely benign (1 of 4 stars; one submission).

Allele frequency attached by ClinVar (database versions not stated): TOPMed below 0.00001; ExAC 0.00001; gnomAD exomes 0.00001 and 0.00002.
gnomAD v4.1: 8 of 1,607,986 alleles (0.0005%); highest among the groups gnomAD compares: Admixed American, 0.0033%; no homozygotes.

Submission:

GeneDx
Classification: Likely benign. Last evaluated: 2018-06-06. Review status: criteria provided, single submitter. Criteria: GeneDx Variant Classification (06012015). Collection method: clinical testing. Allele origin: germline. Affected: yes.
Comment: This variant is considered likely benign or benign based on one or more of the following criteria: it is a conservative change, it occurs at a poorly conserved position in the protein, it is predicted to be benign by multiple in silico algorithms, and/or has population frequency not consistent with disease.